The following is an entry in ClinVar:

NM_133433.4(NIPBL):c.4117G>A (p.Ala1373Thr)

Gene: NIPBL (NIPBL cohesin loading factor; plus strand). Cytogenetic location: 5p13.2.
Variant type: single nucleotide variant.
Coding change: c.4117G>A on transcript NM_133433.4 (MANE Select); coding-DNA position 4117, G replaced by A.
Protein change: p.Ala1373Thr; replaces alanine 1373 with threonine.
Molecular consequence: missense variant.
Genome position (GRCh38, 1-based): chr5:37,007,352, G>A. VCF-style: chr5-37007352-G-A. GRCh37 (hg19) VCF-style: chr5-37007454-G-A.
Other names: c.4117G>A, p.Ala1373Thr (NM_015384.5); short protein forms A1373T.
Identifiers: ClinVar variation 1493170 (VCV001493170.6), dbSNP rs2149677952, ClinGen allele CA359525725.

ClinVar aggregate classification (germline): Uncertain significance (1 of 4 stars; one submission).

Conditions:
Cornelia de Lange syndrome 1 (CDLS1). Also called: Brachmann de Lange syndrome; TYPUS DEGENERATIVUS AMSTELODAMENSIS; NIPBL-Related Cornelia de Lange Syndrome. Identifiers: Orphanet 199, MedGen C4551851, MONDO:0007387, OMIM 122470.

Submission:

Labcorp Genetics (formerly Invitae), Labcorp
Classification: Uncertain significance for Cornelia de Lange syndrome 1. Last evaluated: 2024-10-26. Review status: criteria provided, single submitter. Criteria: Invitae Variant Classification Sherloc (09022015). Collection method: clinical testing. Allele origin: germline.
Comment: This sequence change replaces alanine, which is neutral and non-polar, with threonine, which is neutral and polar, at codon 1373 of the NIPBL protein (p.Ala1373Thr). This variant is not present in population databases (gnomAD no frequency). This variant has not been reported in the literature in individuals affected with NIPBL-related conditions. ClinVar contains an entry for this variant (Variation ID: 1493170). Invitae Evidence Modeling of protein sequence and biophysical properties (such as structural, functional, and spatial information, amino acid conservation, physicochemical variation, residue mobility, and thermodynamic stability) has been performed for this missense variant. However, the output from this modeling did not meet the statistical confidence thresholds required to predict the impact of this variant on NIPBL protein function. In summary, the available evidence is currently insufficient to determine the role of this variant in disease. Therefore, it has been classified as a Variant of Uncertain Significance.